The following is an entry in ClinVar:

NM_000092.5(COL4A4):c.17T>C (p.Ile6Thr)

Gene: COL4A4 (collagen type IV alpha 4 chain; minus strand). Cytogenetic location: 2q36.3.
Variant type: single nucleotide variant.
Coding change: c.17T>C on transcript NM_000092.5 (MANE Select); coding-DNA position 17, T replaced by C.
Protein change: p.Ile6Thr; replaces isoleucine 6 with threonine.
Molecular consequence: missense variant.
Genome position (GRCh38, 1-based): chr2:227,147,467, A>G on the plus strand (T>C on the coding strand, the complement: COL4A4 is on the minus strand). VCF-style: chr2-227147467-A-G. GRCh37 (hg19) VCF-style: chr2-228012183-A-G.
Other names: short protein forms I6T.
Identifiers: ClinVar variation 255016 (VCV000255016.24), dbSNP rs16823264, ClinGen allele CA2145868.

ClinVar aggregate classification (germline): Benign/Likely benign. Review status: criteria provided, multiple submitters, no conflicts (2 of 4 stars). 11 submissions from 11 submitters: Benign (9); Likely benign (1). 1 of the submissions does not count toward it. Last evaluated 2026-02-04.

Conditions:
Alport syndrome. Also called: Hemorrhagic familial nephritis; Hemorrhagic hereditary nephritis; Congenital hereditary hematuria. Identifiers: Orphanet 63, MedGen C1567741, MONDO:0018965.

Allele frequency attached by ClinVar (database versions not stated): gnomAD exomes 0.00923 and 0.02366; ExAC 0.02847; gnomAD 0.09359 and 0.10047; ESP Exome Variant Server 0.10115; 1000 Genomes Project 0.10423; TOPMed 0.10478; 1000 Genomes Project 30x 0.11165.
gnomAD v4.1: 28,289 of 1,613,334 alleles (1.8%); highest among the groups gnomAD compares: African/African-American, 33%; 4,091 homozygotes.

Submissions (11):

Labcorp Genetics (formerly Invitae), Labcorp
Classification: Benign. Last evaluated: 2026-02-04. Review status: criteria provided, single submitter. Criteria: Invitae Variant Classification Sherloc (09022015). Collection method: clinical testing. Allele origin: germline.

Women's Health and Genetics/Laboratory Corporation of America, LabCorp
Classification: Likely benign. Last evaluated: 2024-11-29. Review status: criteria provided, single submitter. Criteria: LabCorp Variant Classification Summary - May 2015. Collection method: clinical testing. Allele origin: germline.

Blueprint Genetics
Classification: Benign. Last evaluated: 2024-11-26. Review status: criteria provided, single submitter. Criteria: ACMG Guidelines, 2015. Collection method: clinical testing. Allele origin: germline.

Mayo Clinic Laboratories, Mayo Clinic
Classification: Benign. Last evaluated: 2023-03-26. Review status: criteria provided, single submitter. Criteria: ACMG Guidelines, 2015. Collection method: clinical testing. Allele origin: germline. Observed: 30 variant alleles.

Illumina Laboratory Services, Illumina
Classification: Benign for Alport syndrome. Last evaluated: 2018-01-12. Review status: criteria provided, single submitter. Criteria: ICSL Variant Classification Criteria 13 December 2019. Collection method: clinical testing. Allele origin: germline.
Comment: This variant was observed in the ICSL laboratory as part of a predisposition screen in an ostensibly healthy population. It had not been previously curated by ICSL or reported in the Human Gene Mutation Database (HGMD: prior to June 1st, 2018), and was therefore a candidate for classification through an automated scoring system. Utilizing variant allele frequency, disease prevalence and penetrance estimates, and inheritance mode, an automated score was calculated to assess if this variant is too frequent to cause the disease. Based on the score and internal cut-off values, a variant classified as benign is not then subjected to further curation. The score for this variant resulted in a classification of benign for this disease.

GeneDx
Classification: Benign. Last evaluated: 2017-10-05. Review status: criteria provided, single submitter. Criteria: GeneDx Variant Classification (06012015). Collection method: clinical testing. Allele origin: germline. Affected: yes.
Comment: This variant is considered likely benign or benign based on one or more of the following criteria: it is a conservative change, it occurs at a poorly conserved position in the protein, it is predicted to be benign by multiple in silico algorithms, and/or has population frequency not consistent with disease.

Athena Diagnostics
Classification: Benign. Last evaluated: 2017-09-12. Review status: criteria provided, single submitter. Criteria: Athena Diagnostics Criteria. Collection method: clinical testing. Allele origin: germline.

Laboratory for Molecular Medicine, Mass General Brigham Personalized Medicine
Classification: Benign. Last evaluated: 2016-03-21. Review status: criteria provided, single submitter. Criteria: LMM Criteria. Collection method: clinical testing. Allele origin: germline. Observed: 20 variant alleles.
Comment: p.Ile6Thr in exon 2 of COL4A4: This variant is not expected to have clinical sig nificance because it has been identified in 37.44% (495/1322) of African chromos omes by the 1000 Genomes Project (Phase 3; dbSNP rs16823264).

Breakthrough Genomics
Classification: Benign. Review status: criteria provided, single submitter. Criteria: ACMG Guidelines, 2015. Collection method: not provided. Allele origin: germline. Inheritance: Autosomal recessive inheritance. Affected: yes.

PreventionGenetics, part of Exact Sciences
Classification: Benign. Review status: criteria provided, single submitter. Criteria: ACMG Guidelines, 2015. Collection method: clinical testing. Allele origin: germline.

Natera, Inc.
Classification: Benign for Alport syndrome. Last evaluated: 2020-09-16. Review status: no assertion criteria provided. Collection method: clinical testing. Allele origin: germline. Not counted in ClinVar's aggregate classification.